The following is an entry in ClinVar:

NM_015047.3(EMC1):c.2165A>G (p.Gln722Arg)

Genes: EMC1 (ER membrane protein complex subunit 1; minus strand), EMC1-AS1 (EMC1 antisense RNA 1; plus strand). Cytogenetic location: 1p36.13.
Variant type: single nucleotide variant.
Coding change: c.2165A>G on transcript NM_015047.3 (MANE Select); coding-DNA position 2165, A replaced by G.
Protein change: p.Gln722Arg; replaces glutamine 722 with arginine.
Molecular consequence: missense variant.
Genome position (GRCh38, 1-based): chr1:19,227,350, T>C on the plus strand (A>G on the coding strand, the complement: EMC1 is on the minus strand). VCF-style: chr1-19227350-T-C. GRCh37 (hg19) VCF-style: chr1-19553844-T-C.
Other names: c.2162A>G, p.Gln721Arg (NM_001271427.2, NM_001271428.2); c.2099A>G, p.Gln700Arg (NM_001271429.2); c.2174A>G, p.Gln725Arg (NM_001375820.1); c.2171A>G, p.Gln724Arg (NM_001375821.1); short protein forms Q700R, Q725R, Q721R, Q722R, Q724R.
Identifiers: ClinVar variation 2880589 (VCV002880589.3), dbSNP rs1160917593, ClinGen allele CA338756575.

ClinVar aggregate classification (germline): Uncertain significance (1 of 4 stars; one submission).

Allele frequency attached by ClinVar (database versions not stated): TOPMed below 0.00001; gnomAD 0.00001.
gnomAD v4.1: 1 of 1,614,054 alleles (0.000062%); highest among the groups gnomAD compares: Admixed American, 0.0017%; no homozygotes.

Submission:

Labcorp Genetics (formerly Invitae), Labcorp
Classification: Uncertain significance. Last evaluated: 2023-12-31. Review status: criteria provided, single submitter. Criteria: Invitae Variant Classification Sherloc (09022015). Collection method: clinical testing. Allele origin: germline.
Comment: This sequence change replaces glutamine, which is neutral and polar, with arginine, which is basic and polar, at codon 722 of the EMC1 protein (p.Gln722Arg). This variant is not present in population databases (gnomAD no frequency). This variant has not been reported in the literature in individuals affected with EMC1-related conditions. Advanced modeling of protein sequence and biophysical properties (such as structural, functional, and spatial information, amino acid conservation, physicochemical variation, residue mobility, and thermodynamic stability) performed at Invitae indicates that this missense variant is expected to disrupt EMC1 protein function with a positive predictive value of 80%. In summary, the available evidence is currently insufficient to determine the role of this variant in disease. Therefore, it has been classified as a Variant of Uncertain Significance.